The following is an entry in ClinVar:

NM_000179.3(MSH6):c.2837A>G (p.Glu946Gly)

Gene: MSH6 (mutS homolog 6; plus strand). Cytogenetic location: 2p16.3.
Variant type: single nucleotide variant.
Coding change: c.2837A>G on transcript NM_000179.3 (MANE Select); coding-DNA position 2837, A replaced by G.
Protein change: p.Glu946Gly; replaces glutamic acid 946 with glycine.
Molecular consequence: missense variant.
Genome position (GRCh38, 1-based): chr2:47,800,820, A>G. VCF-style: chr2-47800820-A-G. GRCh37 (hg19) VCF-style: chr2-48027959-A-G.
Other names: c.2447A>G, p.Glu816Gly (NM_001281492.2); c.1931A>G, p.Glu644Gly (NM_001281493.2, NM_001281494.2); short protein forms E644G, E946G, E816G.
Identifiers: ClinVar variation 971490 (VCV000971490.9), dbSNP rs1669516579, ClinGen allele CA346755767.
Genomic context (GRCh38, chr2:47,800,820, plus strand): 5'-TTATTACTCCCAAAGCAGGCTTTGACTCTGATTATGACCAAGCTCTTGCTGACATAAGAG[A>G]AAATGAACAGAGCCTCCTGGAATACCTAGAGAAACAGCGCAACAGAATTGGCTGTAGGAC-3'
Protein context (NP_000170.1, residues 936-956): DYDQALADIR[Glu946Gly]NEQSLLEYLE

ClinVar aggregate classification (germline): Uncertain significance. Review status: criteria provided, multiple submitters, no conflicts (2 of 4 stars). 2 submissions from 2 submitters: Uncertain significance (2). Last evaluated 2025-01-23.

Conditions:
Hereditary nonpolyposis colorectal neoplasms. Identifiers: MedGen C0009405, MeSH D003123.

Submissions (2):

GeneDx
Classification: Uncertain significance. Last evaluated: 2025-01-23. Review status: criteria provided, single submitter. Criteria: GeneDx Variant Classification Process June 2021. Collection method: clinical testing. Allele origin: germline. Affected: yes.
Comment: Not observed at significant frequency in large population cohorts (gnomAD); In silico analysis supports that this missense variant has a deleterious effect on protein structure/function; Has not been previously published as pathogenic or benign to our knowledge; This variant is associated with the following publications: (PMID: 17531815, 21120944)

Labcorp Genetics (formerly Invitae), Labcorp
Classification: Uncertain significance for Hereditary nonpolyposis colorectal neoplasms. Last evaluated: 2021-09-09. Review status: criteria provided, single submitter. Criteria: Invitae Variant Classification Sherloc (09022015). Collection method: clinical testing. Allele origin: germline.
Comment: This variant has not been reported in the literature in individuals affected with MSH6-related conditions. In summary, the available evidence is currently insufficient to determine the role of this variant in disease. Therefore, it has been classified as a Variant of Uncertain Significance. Algorithms developed to predict the effect of missense changes on protein structure and function are either unavailable or do not agree on the potential impact of this missense change (SIFT: "Tolerated"; PolyPhen-2: "Possibly Damaging"; Align-GVGD: "Class C0"). This variant is not present in population databases (ExAC no frequency). This sequence change replaces glutamic acid with glycine at codon 946 of the MSH6 protein (p.Glu946Gly). The glutamic acid residue is weakly conserved and there is a moderate physicochemical difference between glutamic acid and glycine.